The following is an entry in ClinVar:

NM_000548.5(TSC2):c.684C>T (p.Tyr228=)

Gene: TSC2 (TSC complex subunit 2; plus strand). Cytogenetic location: 16p13.3.
Variant type: single nucleotide variant.
Coding change: c.684C>T on transcript NM_000548.5 (MANE Select); coding-DNA position 684, C replaced by T.
Protein change: p.Tyr228=; no amino-acid change (tyrosine 228 retained).
Molecular consequence: synonymous variant.
Genome position (GRCh38, 1-based): chr16:2,056,679, C>T. VCF-style: chr16-2056679-C-T. GRCh37 (hg19) VCF-style: chr16-2106680-C-T.
Other names: c.684C>T, p.Tyr228= (NM_001077183.3, NM_001114382.3, NM_001363528.2 and 3 more transcripts); c.573C>T, p.Tyr191= (NM_001318827.2); c.537C>T, p.Tyr179= (NM_001318829.2); c.84C>T, p.Tyr28= (NM_001318831.2); c.717C>T, p.Tyr239= (NM_001318832.2).
Identifiers: ClinVar variation 697851 (VCV000697851.14), dbSNP rs397515034, ClinGen allele CA492957063.
Genomic context (GRCh38, chr16:2,056,679, plus strand): 5'-CGTGAGCCGTCTCCCTCTCCACCAGGTCTCCCTGCAGGTGCTGGACGCCGTGGTCTGCTA[C>T]AACTGCCTGCCGGCTGAGAGCCTCCCGCTGTTCATCGTTACCCTCTGTCGCACCATCAAC-3'
Protein context (NP_000539.2, residues 218-238): SLQVLDAVVC[Tyr228=]NCLPAESLPL

ClinVar aggregate classification (germline): Benign/Likely benign. Review status: criteria provided, multiple submitters, no conflicts (2 of 4 stars). 4 submissions from 4 submitters: Benign (1); Likely benign (3). Last evaluated 2025-10-13.

Conditions:
Tuberous sclerosis 2 (TSC2). Identifiers: Orphanet 805, MedGen C1860707, MONDO:0013199, OMIM 613254.
Hereditary cancer-predisposing syndrome. Also called: Tumor predisposition; Hereditary neoplastic syndrome; Hereditary Cancer Syndrome; Neoplastic Syndromes, Hereditary. Identifiers: Orphanet 140162, MedGen C0027672, MeSH D009386, MONDO:0015356.

Allele frequency attached by ClinVar (database versions not stated): gnomAD exomes below 0.00001.
gnomAD v4.1: 1 of 1,612,416 alleles (0.000062%); highest among the groups gnomAD compares: Non-Finnish European, 0.000085%; no homozygotes.

Submissions (4):

Labcorp Genetics (formerly Invitae), Labcorp
Classification: Likely benign for Tuberous sclerosis 2. Last evaluated: 2025-10-13. Review status: criteria provided, single submitter. Criteria: Invitae Variant Classification Sherloc (09022015). Collection method: clinical testing. Allele origin: germline.

Myriad Genetics, Inc.
Classification: Benign for Tuberous sclerosis 2. Last evaluated: 2025-05-09. Review status: criteria provided, single submitter. Criteria: Myriad Autosomal Dominant, Autosomal Recessive and X-Linked Classification Criteria (2023). Collection method: clinical testing. Allele origin: unknown.
Comment: This variant is considered benign. This variant is a silent/synonymous amino acid change and it is not expected to impact splicing.

Ambry Genetics
Classification: Likely benign for Hereditary cancer-predisposing syndrome. Last evaluated: 2023-12-07. Review status: criteria provided, single submitter. Criteria: Ambry Variant Classification Scheme 2023. Collection method: clinical testing. Allele origin: germline.

Sema4
Classification: Likely benign for Hereditary cancer-predisposing syndrome. Last evaluated: 2022-01-06. Review status: criteria provided, single submitter. Criteria: Sema4 Curation Guidelines. Collection method: curation. Allele origin: germline.